The following is an entry in ClinVar:

ClinVar aggregate classification (germline): Likely pathogenic. Review status: reviewed by expert panel (3 of 4 stars). 6 submissions from 6 submitters: Likely pathogenic (1). 5 of the submissions do not count toward it. Last evaluated 2018-12-09.

Conditions:
Phenylketonuria (PKU). Also called: Phenylketonuria (PKU); FOLLING DISEASE; OLIGOPHRENIA PHENYLPYRUVICA; Phenylketonurias. Identifiers: Orphanet 716, MedGen C0031485, MONDO:0009861, OMIM 261600. Disease mechanism: loss of function.

Submissions (6):

ClinGen PAH Variant Curation Expert Panel
Classification: Likely pathogenic for Phenylketonuria. Last evaluated: 2018-12-09. Review status: reviewed by expert panel. Criteria: ClinGen PAH ACMG Specifications v1. Collection method: curation. Allele origin: germline. Inheritance: Autosomal recessive inheritance.
Comment: The c.826A>G (p.Met276Val) variant in PAH is absent from population databases. It has been identified in trans with pathogenic variants in two patients (A300S and R261Q; PMID: 16198137), and identified in an additional patient in which a defect in BH4 metabolism was excluded as a cause of elevated phenylalanine (PMID: 9634518). In summary, this variant meets criteria to be classified as likely pathogenic for PAH. PAH-specific ACMG/AMP criteria applied: PP4_Moderate, PM2, PM3_strong.

Natera, Inc.
Classification: Likely pathogenic for Phenylketonuria. Last evaluated: 2025-12-09. Review status: criteria provided, single submitter. Criteria: Natera Variant Classification Schema (03/2026). Collection method: clinical testing. Allele origin: germline. Not counted in ClinVar's aggregate classification.
Comment: The c.826A>G variant in PAH is a missense variant predicted to cause substitution of methionine to valine at amino acid 276. This variant is rare in the general population with a frequency below the threshold expected for the associated phenotype(s). This variant has been observed in one or more individuals affected with the associated recessive disease, as either homozygous or compound heterozygous with a second variant (PMID: 16290003, 35664874, 39940237, 37004080). A different variant at the same position has been determined to be Pathogenic or Likely Pathogenic. Computational prediction algorithms indicate this variant is likely to affect gene or protein function. Given the available evidence, this variant is classified as Likely Pathogenic.

Baylor Genetics
Classification: Likely pathogenic for Phenylketonuria. Last evaluated: 2024-01-08. Review status: criteria provided, single submitter. Criteria: ACMG Guidelines, 2015. Collection method: clinical testing. Allele origin: unknown. Not counted in ClinVar's aggregate classification.

Labcorp Genetics (formerly Invitae), Labcorp
Classification: Pathogenic for Phenylketonuria. Last evaluated: 2023-08-30. Review status: criteria provided, single submitter. Criteria: Invitae Variant Classification Sherloc (09022015). Collection method: clinical testing. Allele origin: germline. Not counted in ClinVar's aggregate classification.
Comment: For these reasons, this variant has been classified as Pathogenic. Advanced modeling of protein sequence and biophysical properties (such as structural, functional, and spatial information, amino acid conservation, physicochemical variation, residue mobility, and thermodynamic stability) performed at Invitae indicates that this missense variant is not expected to disrupt PAH protein function. ClinVar contains an entry for this variant (Variation ID: 102856). This missense change has been observed in individual(s) with hyperphenylalaninemia (PMID: 8068076, 16290003; Invitae). This variant is not present in population databases (gnomAD no frequency). This sequence change replaces methionine, which is neutral and non-polar, with valine, which is neutral and non-polar, at codon 276 of the PAH protein (p.Met276Val).

Counsyl
Classification: Likely pathogenic for Phenylketonuria. Last evaluated: 2017-10-04. Review status: no assertion criteria provided. Collection method: clinical testing. Allele origin: unknown. Not counted in ClinVar's aggregate classification.

DeBelle Laboratory for Biochemical Genetics, MUHC/MCH RESEARCH INSTITUTE
No classification provided. Review status: no classification provided. Collection method: not provided. Allele origin: not provided. Not counted in ClinVar's aggregate classification.

Literature cited by the submitters: PubMed 16198137 (cited by ClinGen PAH Variant Curation Expert Panel and Counsyl); PubMed 9634518 (cited by ClinGen PAH Variant Curation Expert Panel and Counsyl); PubMed 16290003 (cited by 3 submitters); PubMed 35664874 (cited by Natera, Inc.); PubMed 39940237 (cited by Natera, Inc.); PubMed 37004080 (cited by Natera, Inc.); PubMed 8068076 (cited by Labcorp Genetics (formerly Invitae), Labcorp and Counsyl); PubMed 17924342 (cited by Counsyl); PubMed 11142755 (cited by Counsyl).

NM_000277.3(PAH):c.826A>G (p.Met276Val)

Gene: PAH (phenylalanine hydroxylase; minus strand). Cytogenetic location: 12q23.2.
Variant type: single nucleotide variant.
Coding change: c.826A>G on transcript NM_000277.3 (MANE Select); coding-DNA position 826, A replaced by G.
Protein change: p.Met276Val; replaces methionine 276 with valine.
Molecular consequence: missense variant.
Genome position (GRCh38, 1-based): chr12:102,852,831, T>C on the plus strand (A>G on the coding strand, the complement: PAH is on the minus strand). VCF-style: chr12-102852831-T-C. GRCh37 (hg19) VCF-style: chr12-103246609-T-C.
Other names: NM_000277.2(PAH):c.826A>G; c.826A>G, p.Met276Val (NM_001354304.2); c.826A>G (NM_000277.2); short protein forms M276V.
Identifiers: ClinVar variation 102856 (VCV000102856.11), dbSNP rs62516149, ClinGen allele CA229794.
Genomic context (GRCh38, chr12:102,852,831, plus strand): 5'-CGCTCATTGTGCCTGGCAACTGGTAGCTGGAGGACAGTACTCACGGTTCGGGGGTATACA[T>C]GGGCTTGGATCCATGTCTGATGTACTGTGTGCAGTGGAAGACTCGGAAGGCCAGGCCACC-3'
Protein context (NP_000268.1, residues 266-286): TQYIRHGSKP[Met276Val]YTPEPDICHE